The following is an entry in ClinVar:

ClinVar aggregate classification (germline): Uncertain significance (1 of 4 stars; one submission).

Submission:

GeneDx
Classification: Uncertain significance. Last evaluated: 2024-08-16. Review status: criteria provided, single submitter. Criteria: GeneDx Variant Classification Process June 2021. Collection method: clinical testing. Allele origin: germline. Affected: yes.
Comment: Not observed at significant frequency in large population cohorts (gnomAD); In silico analysis supports that this missense variant has a deleterious effect on protein structure/function; Has not been previously published as pathogenic or benign to our knowledge; This variant is associated with the following publications: (PMID: 27535533)

NM_004446.3(EPRS1):c.4201C>T (p.Leu1401Phe)

Gene: EPRS1 (glutamyl-prolyl-tRNA synthetase 1; minus strand). Cytogenetic location: 1q41.
Variant type: single nucleotide variant.
Coding change: c.4201C>T on transcript NM_004446.3 (MANE Select); coding-DNA position 4201, C replaced by T.
Protein change: p.Leu1401Phe; replaces leucine 1401 with phenylalanine.
Molecular consequence: missense variant.
Genome position (GRCh38, 1-based): chr1:219,973,281, G>A on the plus strand (C>T on the coding strand, the complement: EPRS1 is on the minus strand). VCF-style: chr1-219973281-G-A. GRCh37 (hg19) VCF-style: chr1-220146623-G-A.
Other names: short protein forms L1401F.
Identifiers: ClinVar variation 3730879 (VCV003730879.1).